The following is an entry in ClinVar:

ClinVar aggregate classification (germline): Uncertain significance (1 of 4 stars; one submission).

Submission:

Labcorp Genetics (formerly Invitae), Labcorp
Classification: Uncertain significance. Last evaluated: 2024-03-21. Review status: criteria provided, single submitter. Criteria: Invitae Variant Classification Sherloc (09022015). Collection method: clinical testing. Allele origin: germline.
Comment: This sequence change replaces lysine, which is basic and polar, with glutamine, which is neutral and polar, at codon 803 of the DDX58 protein (p.Lys803Gln). This variant is not present in population databases (gnomAD no frequency). This variant has not been reported in the literature in individuals affected with DDX58-related conditions. Advanced modeling of protein sequence and biophysical properties (such as structural, functional, and spatial information, amino acid conservation, physicochemical variation, residue mobility, and thermodynamic stability) performed at Invitae indicates that this missense variant is not expected to disrupt DDX58 protein function with a negative predictive value of 80%. In summary, the available evidence is currently insufficient to determine the role of this variant in disease. Therefore, it has been classified as a Variant of Uncertain Significance.

NM_014314.4(RIGI):c.2407A>C (p.Lys803Gln)

Genes: RIGI (RNA sensor RIG-I; minus strand), LOC101060445 (uncharacterized LOC101060445; plus strand). Cytogenetic location: 9p21.1.
Variant type: single nucleotide variant.
Coding change: c.2407A>C on transcript NM_014314.4 (MANE Select); coding-DNA position 2407, A replaced by C.
Protein change: p.Lys803Gln; replaces lysine 803 with glutamine.
Molecular consequence: missense variant.
Genome position (GRCh38, 1-based): chr9:32,459,445, T>G on the plus strand (A>C on the coding strand, the complement: RIGI is on the minus strand). VCF-style: chr9-32459445-T-G. GRCh37 (hg19) VCF-style: chr9-32459443-T-G.
Other names: c.2401A>C, p.Lys801Gln (NM_001385907.1); c.2236A>C, p.Lys746Gln (NM_001385909.1); c.1966A>C, p.Lys656Gln (NM_001385910.1); c.1798A>C, p.Lys600Gln (NM_001385912.1); c.2392A>C, p.Lys798Gln (NM_001385913.1); c.1963A>C, p.Lys655Gln (NM_001385914.1); short protein forms K600Q, K803Q, K655Q, K656Q, K746Q, K798Q, K801Q.
Identifiers: ClinVar variation 3644652 (VCV003644652.2).